The following is an entry in ClinVar:

NM_000530.8(MPZ):c.*40G>T

Gene: MPZ (myelin protein zero; minus strand). Cytogenetic location: 1q23.3.
Variant type: single nucleotide variant.
Coding change: c.*40G>T on transcript NM_000530.8 (MANE Select); 40 bases downstream of the stop codon, G replaced by T.
Molecular consequence: 3 prime UTR variant. On other transcripts: nonsense (1).
Genome position (GRCh38, 1-based): chr1:161,305,836, C>A on the plus strand (G>T on the coding strand, the complement: MPZ is on the minus strand). VCF-style: chr1-161305836-C-A. GRCh37 (hg19) VCF-style: chr1-161275626-C-A.
Other names: c.787G>T, p.Glu263Ter (NM_001315491.2); short protein forms E263*.
Identifiers: ClinVar variation 4981528 (VCV004981528.1).
Genomic context (GRCh38, chr1:161,305,836, plus strand): 5'-TCTGCTCATCCTTTCGTAGCTCCATCTCGATGACCATCACCTTTGGGCCTTTGGCGGACT[C>A]CACCCCTAACCCCCGATCCCCCGCCCGGCCCGCTAACCGCTATTTCTTATCCTTGCGAGA-3'

ClinVar aggregate classification (germline): Likely benign (1 of 4 stars; one submission).

Conditions:
MPZ-related disorder. Also called: MPZ-related disorders; MPZ-related condition.

Submission:

PreventionGenetics, part of Exact Sciences
Classification: Likely benign for MPZ-related condition. Last evaluated: 2025-09-19. Review status: criteria provided, single submitter. Criteria: ACMG Guidelines, 2015. Collection method: clinical testing. Allele origin: germline.
Comment: This variant is classified as likely benign based on ACMG/AMP sequence variant interpretation guidelines (Richards et al. 2015 PMID: 25741868, with internal and published modifications).